The following is an entry in ClinVar:

NM_000321.3(RB1):c.1360_1363delinsGGAATCCATG (p.Tyr454_Arg455delinsGlyIleHisGly)

Gene: RB1 (RB transcriptional corepressor 1; plus strand). Cytogenetic location: 13q14.2.
Variant type: Indel.
Coding change: c.1360_1363delinsGGAATCCATG on transcript NM_000321.3 (MANE Select); coding-DNA positions 1360 to 1363, TACC replaced by GGAATCCATG.
Protein change: p.Tyr454_Arg455delinsGlyIleHisGly.
Molecular consequence: inframe indel.
Genome position (GRCh38, 1-based): chr13:48,379,621-48,379,624, TACC replaced by GGAATCCATG. VCF-style: chr13-48379621-TACC-GGAATCCATG. GRCh37 (hg19) VCF-style: chr13-48953757-TACC-GGAATCCATG.
Other names: c.1360_1363delTACCinsGGAATCCATG, p.Tyr454_Arg455delinsGlyIleHisGly (NM_001407165.1, NM_001407166.1).
Identifiers: ClinVar variation 2056668 (VCV002056668.4), dbSNP rs2542202900, ClinGen allele CA2580087585.

ClinVar aggregate classification (germline): Uncertain significance (1 of 4 stars; one submission).

Conditions:
Retinoblastoma (RB1). Also called: RETINOBLASTOMA, SOMATIC. Identifiers: Orphanet 790, MedGen C0035335, MeSH D012175, MONDO:0008380, OMIM 180200, HP:0009919. Disease mechanism: loss of function. Inheritance: Both sporadic and heritable forms are tested..

Submission:

Labcorp Genetics (formerly Invitae), Labcorp
Classification: Uncertain significance for Retinoblastoma. Last evaluated: 2021-12-24. Review status: criteria provided, single submitter. Criteria: Invitae Variant Classification Sherloc (09022015). Collection method: clinical testing. Allele origin: germline.
Comment: This variant is not present in population databases (gnomAD no frequency). This variant has not been reported in the literature in individuals affected with RB1-related conditions. Experimental studies and prediction algorithms are not available or were not evaluated, and the functional significance of this variant is currently unknown. In summary, the available evidence is currently insufficient to determine the role of this variant in disease. Therefore, it has been classified as a Variant of Uncertain Significance. This variant, c.1360_1363delinsGGAATCCATG, is a complex sequence change that results in the deletion of 2 and insertion of 4 amino acid(s) in the RB1 protein (p.Tyr454_Arg455delinsGlyIleHisGly).